The following is an entry in ClinVar:

NM_000311.5(PRNP):c.*800C>T

Gene: PRNP (prion protein (Kanno blood group); plus strand). Cytogenetic location: 20p13.
Variant type: single nucleotide variant.
Coding change: c.*800C>T on transcript NM_000311.5 (MANE Select); 800 bases downstream of the stop codon, C replaced by T.
Molecular consequence: 3 prime UTR variant.
Genome position (GRCh38, 1-based): chr20:4,700,782, C>T. VCF-style: chr20-4700782-C-T. GRCh37 (hg19) VCF-style: chr20-4681428-C-T.
Other names: c.*800C>T (NM_001080121.3, NM_001080122.3, NM_001080123.3 and 1 more transcripts); c.*1251C>T (NM_001271561.3).
Identifiers: ClinVar variation 338665 (VCV000338665.5), dbSNP rs111321071, ClinGen allele CA10649839.

ClinVar aggregate classification (germline): Benign (1 of 4 stars; one submission).

Conditions:
Inherited prion disease. Identifiers: Orphanet 280400, MedGen C5679775, MONDO:0017234.

Allele frequency attached by ClinVar (database versions not stated): 1000 Genomes Project 0.00399; 1000 Genomes Project 30x 0.00484; gnomAD exomes 0.00592; gnomAD 0.00620 and 0.00650; TOPMed 0.00680.

Submission:

Illumina Laboratory Services, Illumina
Classification: Benign for Genetic prion diseases. Last evaluated: 2018-01-13. Review status: criteria provided, single submitter. Criteria: ICSL Variant Classification Criteria 13 December 2019. Collection method: clinical testing. Allele origin: germline.
Comment: This variant was observed in the ICSL laboratory as part of a predisposition screen in an ostensibly healthy population. It had not been previously curated by ICSL or reported in the Human Gene Mutation Database (HGMD: prior to June 1st, 2018), and was therefore a candidate for classification through an automated scoring system. Utilizing variant allele frequency, disease prevalence and penetrance estimates, and inheritance mode, an automated score was calculated to assess if this variant is too frequent to cause the disease. Based on the score and internal cut-off values, a variant classified as benign is not then subjected to further curation. The score for this variant resulted in a classification of benign for this disease.